The following is an entry in ClinVar:

ClinVar aggregate classification (germline): Uncertain significance (1 of 4 stars; one submission).

Conditions:
Inborn genetic diseases. Identifiers: MedGen C0950123, MeSH D030342.

gnomAD v4.1: 1 of 1,612,898 alleles (0.000062%); highest among the groups gnomAD compares: East Asian, 0.0022%; no homozygotes.

Submission:

Ambry Genetics
Classification: Uncertain significance for Inborn genetic diseases. Last evaluated: 2025-08-01. Review status: criteria provided, single submitter. Criteria: Ambry Variant Classification Scheme 2023. Collection method: clinical testing. Allele origin: germline.
Comment: The p.N1518S variant (also known as c.4553A>G), located in coding exon 31 of the ANKRD26 gene, results from an A to G substitution at nucleotide position 4553. The asparagine at codon 1518 is replaced by serine, an amino acid with highly similar properties. This amino acid position is conserved. In addition, this alteration is predicted to be tolerated by in silico analysis. Based on the available evidence, the clinical significance of this variant remains unclear.

NM_014915.3(ANKRD26):c.4553A>G (p.Asn1518Ser)

Gene: ANKRD26 (ankyrin repeat domain containing 26; minus strand). Cytogenetic location: 10p12.1.
Variant type: single nucleotide variant.
Coding change: c.4553A>G on transcript NM_014915.3 (MANE Select); coding-DNA position 4553, A replaced by G.
Protein change: p.Asn1518Ser; replaces asparagine 1518 with serine.
Molecular consequence: missense variant.
Genome position (GRCh38, 1-based): chr10:27,014,665, T>C on the plus strand (A>G on the coding strand, the complement: ANKRD26 is on the minus strand). VCF-style: chr10-27014665-T-C. GRCh37 (hg19) VCF-style: chr10-27303594-T-C.
Other names: c.4550A>G, p.Asn1517Ser (NM_001256053.2); short protein forms N1517S, N1518S.
Identifiers: ClinVar variation 4103939 (VCV004103939.1).